The following is an entry in ClinVar:

ClinVar aggregate classification (germline): Uncertain significance (1 of 4 stars; one submission).

Submission:

GeneDx
Classification: Uncertain significance. Last evaluated: 2024-05-20. Review status: criteria provided, single submitter. Criteria: GeneDx Variant Classification Process June 2021. Collection method: clinical testing. Allele origin: germline. Affected: yes.
Comment: Not observed at significant frequency in large population cohorts (gnomAD); In silico analysis supports that this missense variant has a deleterious effect on protein structure/function; Has not been previously published as pathogenic or benign to our knowledge

NM_002227.4(JAK1):c.2702C>G (p.Thr901Arg)

Gene: JAK1 (Janus kinase 1; minus strand). Cytogenetic location: 1p31.3.
Variant type: single nucleotide variant.
Coding change: c.2702C>G on transcript NM_002227.4 (MANE Select); coding-DNA position 2702, C replaced by G.
Protein change: p.Thr901Arg; replaces threonine 901 with arginine.
Molecular consequence: missense variant.
Genome position (GRCh38, 1-based): chr1:64,839,743, G>C on the plus strand (C>G on the coding strand, the complement: JAK1 is on the minus strand). VCF-style: chr1-64839743-G-C. GRCh37 (hg19) VCF-style: chr1-65305426-G-C.
Other names: c.2702C>G, p.Thr901Arg (NM_001320923.2, NM_001321852.2, NM_001321853.2 and 3 more transcripts); c.2699C>G, p.Thr900Arg (NM_001321857.2); short protein forms T900R, T901R.
Identifiers: ClinVar variation 3381530 (VCV003381530.1).